The following is an entry in ClinVar:

ClinVar aggregate classification (germline): Uncertain significance (1 of 4 stars; one submission).

Conditions:
Generalized epilepsy-paroxysmal dyskinesia syndrome (PNKD3). Also called: Paroxysmal nonkinesigenic dyskinesia, 3, with or without generalized epilepsy; Generalized epilepsy and paroxysmal dyskinesia. Identifiers: Orphanet 79137, MedGen C5574945, MONDO:0012276, OMIM 609446.

Submission:

Labcorp Genetics (formerly Invitae), Labcorp
Classification: Uncertain significance for Generalized epilepsy-paroxysmal dyskinesia syndrome. Last evaluated: 2024-12-19. Review status: criteria provided, single submitter. Criteria: Invitae Variant Classification Sherloc (09022015). Collection method: clinical testing. Allele origin: germline.
Comment: This variant, c.36_65del, results in the deletion of 10 amino acid(s) of the KCNMA1 protein (p.Gly13_Ser22del), but otherwise preserves the integrity of the reading frame. This variant is present in population databases (no rsID available, gnomAD 0.004%). This variant has not been reported in the literature in individuals affected with KCNMA1-related conditions. ClinVar contains an entry for this variant (Variation ID: 942877). Experimental studies and prediction algorithms are not available or were not evaluated, and the functional significance of this variant is currently unknown. In summary, the available evidence is currently insufficient to determine the role of this variant in disease. Therefore, it has been classified as a Variant of Uncertain Significance.

NM_001161352.2(KCNMA1):c.36_65del (p.Gly13_Ser22del)

Gene: KCNMA1 (potassium calcium-activated channel subfamily M alpha 1; minus strand). Cytogenetic location: 10q22.3.
Variant type: Deletion.
Coding change: c.36_65del on transcript NM_001161352.2 (MANE Select); coding-DNA positions 36 to 65, 30 bases deleted (CGGCGGCGGCGGCGGCGGCGGAGGCAGCAG).
Protein change: p.Gly13_Ser22del.
Molecular consequence: inframe deletion.
Genome position (GRCh38, 1-based): chr10:77,637,578-77,637,607, CTGCTGCCTCCGCCGCCGCCGCCGCCGCCG deleted on the plus strand (CGGCGGCGGCGGCGGCGGCGGAGGCAGCAG on the coding strand, the reverse complement: KCNMA1 is on the minus strand); deleting any 30 consecutive bases within chr10:77,637,578-77,637,615 gives the same sequence; the c. name uses the placement nearest the transcript's 3' end. VCF-style (leftmost placement, unchanged base first): chr10-77637577-ACTGCTGCCTCCGCCGCCGCCGCCGCCGCCG-A. GRCh37 (hg19) VCF-style: chr10-79397335-ACTGCTGCCTCCGCCGCCGCCGCCGCCGCCG-A.
Other names: c.36_65del, p.Gly13_Ser22del (NM_001014797.3, NM_001161353.2, NM_001271518.2 and 12 more transcripts).
Identifiers: ClinVar variation 942877 (VCV000942877.8), dbSNP rs1278021902, ClinGen allele CA594712744.
Genomic context (GRCh38, chr10:77,637,577, plus strand): 5'-GGAGGAGGAGGACGCGTCTAGGCTGAGATGGTTCGCGTGGATATTGCTACTCATTCTAAG[ACTGCTGCCTCCGCCGCCGCCGCCGCCGCCG>A]CTGCTGCCGCCGCCGCCGCCGCCACCATTTGCCATAGCTAGCAACGGGCAGCCGGCGCAG-3'